The following is an entry in ClinVar:

NM_001145026.2(PTPRQ):c.1232C>T (p.Thr411Met)

Gene: PTPRQ (protein tyrosine phosphatase receptor type Q; plus strand). Cytogenetic location: 12q21.31.
Variant type: single nucleotide variant.
Coding change: c.1232C>T on transcript NM_001145026.2 (MANE Select); coding-DNA position 1232, C replaced by T.
Protein change: p.Thr411Met; replaces threonine 411 with methionine.
Molecular consequence: missense variant.
Genome position (GRCh38, 1-based): chr12:80,484,478, C>T. VCF-style: chr12-80484478-C-T. GRCh37 (hg19) VCF-style: chr12-80878257-C-T.
Other names: short protein forms T411M.
Identifiers: ClinVar variation 3361760 (VCV003361760.2).
Genomic context (GRCh38, chr12:80,484,478, plus strand): 5'-TTCTTTCTTTCTTAGTTCCAGGGGCAGTGTTTGATTTACAACTTGCAGAGGTAGAATCCA[C>T]GCAAGTAAGAATTACTTGGAAGAAACCACGACAACCAAATGGAATTATTAACCAATACCG-3'
Protein context (NP_001138498.1, residues 401-421): FDLQLAEVES[Thr411Met]QVRITWKKPR

ClinVar aggregate classification (germline): Uncertain significance. Review status: criteria provided, multiple submitters, no conflicts (2 of 4 stars). 2 submissions from 2 submitters: Uncertain significance (2). Last evaluated 2026-09-08.

Conditions:
PTPRQ-related disorder. Also called: PTPRQ-related condition.

gnomAD v4.1: 58 of 1,550,486 alleles (0.0037%); highest among the groups gnomAD compares: Admixed American, 0.0079%; no homozygotes.

Submissions (2):

PreventionGenetics, part of Exact Sciences
Classification: Uncertain significance for PTPRQ-related condition. Last evaluated: 2026-09-08. Review status: criteria provided, single submitter. Criteria: ACMG Guidelines, 2015. Collection method: clinical testing. Allele origin: germline.
Comment: The PTPRQ c.1232C>T variant is predicted to result in the amino acid substitution p.Thr411Met. To our knowledge, this variant has not been reported in the literature. This variant is reported in 0.0079% of alleles in individuals of Latino descent in gnomAD. However, in gnomAD v4 (available only on GRCh38), this variant is reported in 58 alleles globally, which is likely too common for a highly penetrant pathogenic variant in autosomal dominant disorder. At this time, the clinical significance of this variant is uncertain due to the absence of conclusive functional and genetic evidence.

GeneDx
Classification: Uncertain significance. Last evaluated: 2024-04-01. Review status: criteria provided, single submitter. Criteria: GeneDx Variant Classification Process June 2021. Collection method: clinical testing. Allele origin: germline. Affected: yes.
Comment: In silico analysis supports that this missense variant has a deleterious effect on protein structure/function; Has not been previously published as pathogenic or benign to our knowledge